The following is an entry in ClinVar:

ClinVar aggregate classification (germline): Uncertain significance (1 of 4 stars; one submission).

Conditions:
Primary ciliary dyskinesia. Also called: Ciliary dyskinesia. Identifiers: Orphanet 244, MedGen C0008780, MONDO:0016575, HP:0012265.

gnomAD v4.1: 2 of 1,614,208 alleles (0.00012%); highest among the groups gnomAD compares: Non-Finnish European, 0.00017%; no homozygotes.

Submission:

Labcorp Genetics (formerly Invitae), Labcorp
Classification: Uncertain significance for Primary ciliary dyskinesia. Last evaluated: 2019-05-01. Review status: criteria provided, single submitter. Criteria: Invitae Variant Classification Sherloc (09022015). Collection method: clinical testing. Allele origin: germline.
Comment: This variant has not been reported in the literature in individuals with RSPH9-related conditions. In summary, the available evidence is currently insufficient to determine the role of this variant in disease. Therefore, it has been classified as a Variant of Uncertain Significance. Algorithms developed to predict the effect of missense changes on protein structure and function (SIFT, PolyPhen-2, Align-GVGD) all suggest that this variant is likely to be tolerated, but these predictions have not been confirmed by published functional studies and their clinical significance is uncertain. This variant is not present in population databases (ExAC no frequency). This sequence change replaces methionine with leucine at codon 270 of the RSPH9 protein (p.Met270Leu). The methionine residue is weakly conserved and there is a small physicochemical difference between methionine and leucine.

NM_152732.5(RSPH9):c.808A>C (p.Met270Leu)

Gene: RSPH9 (radial spoke head component 9; plus strand). Cytogenetic location: 6p21.1.
Variant type: single nucleotide variant.
Coding change: c.808A>C on transcript NM_152732.5 (MANE Select); coding-DNA position 808, A replaced by C.
Protein change: p.Met270Leu; replaces methionine 270 with leucine.
Molecular consequence: missense variant. On other transcripts: non-coding transcript variant (2).
Genome position (GRCh38, 1-based): chr6:43,670,926, A>C. VCF-style: chr6-43670926-A-C. GRCh37 (hg19) VCF-style: chr6-43638663-A-C.
Other names: c.860A>C, p.His287Pro (NM_001193341.2); c.905A>C, p.His302Pro (NM_001424119.1); c.763A>C, p.Met255Leu (NM_001424120.1); short protein forms H287P, M270L, H302P, M255L.
Identifiers: ClinVar variation 858690 (VCV000858690.11), dbSNP rs769366839, ClinGen allele CA364278606.
Genomic context (GRCh38, chr6:43,670,926, plus strand): 5'-TACCATGCTCCCCGCACCAAGAACTATGGCTACGTCTACGTGGGCACTGGCGAGAAGAAC[A>C]TGGACTTGCCCTTCATGCTATAGAATGGGAGCCAGCCTGGATGTTTTTAAACAGAGTCTA-3'
Protein context (NP_689945.2, residues 260-276): YVYVGTGEKN[Met270Leu]DLPFML